The following is an entry in ClinVar:

ClinVar aggregate classification (germline): Uncertain significance (1 of 4 stars; one submission).

gnomAD v4.1: 7 of 1,613,304 alleles (0.00043%); highest among the groups gnomAD compares: Admixed American, 0.01%; no homozygotes.

Submission:

Ambry Genetics
Classification: Uncertain significance. Last evaluated: 2025-01-01. Review status: criteria provided, single submitter. Criteria: Ambry Variant Classification Scheme 2023. Collection method: clinical testing. Allele origin: germline.
Comment: The p.D679A variant (also known as c.2036A>C), located in coding exon 3 of the CDK12 gene, results from an A to C substitution at nucleotide position 2036. The aspartic acid at codon 679 is replaced by alanine, an amino acid with dissimilar properties. This amino acid position is conserved. In addition, the in silico prediction for this alteration is inconclusive. Based on the available evidence, the clinical significance of this variant remains unclear.

NM_016507.4(CDK12):c.2036A>C (p.Asp679Ala)

Gene: CDK12 (cyclin dependent kinase 12; plus strand). Cytogenetic location: 17q12.
Variant type: single nucleotide variant.
Coding change: c.2036A>C on transcript NM_016507.4 (MANE Select); coding-DNA position 2036, A replaced by C.
Protein change: p.Asp679Ala; replaces aspartic acid 679 with alanine.
Molecular consequence: missense variant.
Genome position (GRCh38, 1-based): chr17:39,490,661, A>C. VCF-style: chr17-39490661-A-C. GRCh37 (hg19) VCF-style: chr17-37646914-A-C.
Other names: c.2036A>C, p.Asp679Ala (NM_015083.4); short protein forms D679A.
Identifiers: ClinVar variation 3830435 (VCV003830435.1).